The following is an entry in ClinVar:

NM_000081.4(LYST):c.9520G>A (p.Val3174Ile)

Gene: LYST (lysosomal trafficking regulator; minus strand). Cytogenetic location: 1q42.3.
Variant type: single nucleotide variant.
Coding change: c.9520G>A on transcript NM_000081.4 (MANE Select); coding-DNA position 9520, G replaced by A.
Protein change: p.Val3174Ile; replaces valine 3174 with isoleucine.
Molecular consequence: missense variant.
Genome position (GRCh38, 1-based): chr1:235,720,701, C>T on the plus strand (G>A on the coding strand, the complement: LYST is on the minus strand). VCF-style: chr1-235720701-C-T. GRCh37 (hg19) VCF-style: chr1-235884001-C-T.
Other names: p.Val3174Ile; c.9520G>A, p.Val3174Ile (NM_001301365.1); short protein forms V3174I.
Identifiers: ClinVar variation 296362 (VCV000296362.21), dbSNP rs199672291, ClinGen allele CA1465580.
Genomic context (GRCh38, chr1:235,720,701, plus strand): 5'-TGATGATTCTTTTAACTTACCTGTATATCAACAGATCATTGAGGTCAAGTGTCTCACTAA[C>T]GTAGTCAGCAAGTATAAATGGGAACACAGGATACTGCATGAGATCATTGAAGGATCGGCC-3'
Protein context (NP_000072.2, residues 3164-3184): PVFPFILADY[Val3174Ile]SETLDLNDLL

ClinVar aggregate classification (germline): Conflicting classifications of pathogenicity. Review status: criteria provided, conflicting classifications (1 of 4 stars). 7 submissions from 7 submitters: Uncertain significance (4); Likely benign (3). Last evaluated 2026-01-11.

Conditions:
Chédiak-Higashi syndrome (CHS). Also called: Chediak-Higashi Syndrome. Identifiers: Orphanet 167, MedGen C0007965, MONDO:0008963, OMIM 214500.

Allele frequency attached by ClinVar (database versions not stated): gnomAD 0.00008; TOPMed 0.00010; ExAC 0.00017; gnomAD exomes 0.00017; ESP Exome Variant Server 0.00038.
gnomAD v4.1: 136 of 1,613,576 alleles (0.0084%); highest among the groups gnomAD compares: Middle Eastern, 0.05%; 1 homozygote.

Submissions (7):

Labcorp Genetics (formerly Invitae), Labcorp
Classification: Likely benign for Chédiak-Higashi syndrome. Last evaluated: 2026-01-11. Review status: criteria provided, single submitter. Criteria: Invitae Variant Classification Sherloc (09022015). Collection method: clinical testing. Allele origin: germline.

Mayo Clinic Laboratories, Mayo Clinic
Classification: Likely benign. Last evaluated: 2025-07-25. Review status: criteria provided, single submitter. Criteria: ACMG Guidelines, 2015. Collection method: clinical testing. Allele origin: germline. Observed: 2 variant alleles.

Blueprint Genetics
Classification: Likely benign. Last evaluated: 2023-10-06. Review status: criteria provided, single submitter. Criteria: ACMG Guidelines, 2015. Collection method: clinical testing. Allele origin: germline.

Women's Health and Genetics/Laboratory Corporation of America, LabCorp
Classification: Uncertain significance. Last evaluated: 2023-09-19. Review status: criteria provided, single submitter. Criteria: LabCorp Variant Classification Summary - May 2015. Collection method: clinical testing. Allele origin: germline.
Comment: Variant summary: LYST c.9520G>A (p.Val3174Ile) results in a conservative amino acid change located in the BEACH domain (IPR000409) of the encoded protein sequence. Five of five in-silico tools predict a benign effect of the variant on protein function. The variant allele was found at a frequency of 0.00017 in 251250 control chromosomes. This frequency is not significantly higher than estimated for a pathogenic variant in LYST causing Chediak-Higashi Syndrome (0.00017 vs 0.0011), allowing no conclusion about variant significance. To our knowledge, no occurrence of c.9520G>A in individuals affected with Chediak-Higashi Syndrome and no experimental evidence demonstrating its impact on protein function have been reported. Four submitters have cited clinical-significance assessments for this variant to ClinVar after 2014. Three classified the variant as uncertain significance, and one classified the variant as likely benign. Based on the evidence outlined above, the variant was classified as uncertain significance.

Revvity Omics, Revvity
Classification: Uncertain significance for Chédiak-Higashi syndrome. Last evaluated: 2019-07-08. Review status: criteria provided, single submitter. Criteria: ACMG Guidelines, 2015. Collection method: clinical testing. Allele origin: germline.

Illumina Laboratory Services, Illumina
Classification: Uncertain significance for Chédiak-Higashi syndrome. Last evaluated: 2018-01-13. Review status: criteria provided, single submitter. Criteria: ICSL Variant Classification Criteria 13 December 2019. Collection method: clinical testing. Allele origin: germline.

GeneDx
Classification: Uncertain significance. Last evaluated: 2017-05-22. Review status: criteria provided, single submitter. Criteria: GeneDx Variant Classification (06012015). Collection method: clinical testing. Allele origin: germline. Affected: yes.
Comment: The V3174I variant in the LYST gene has not been reported previously as a pathogenic variant, nor as a benign variant, to our knowledge. This variant is observed in 17/66730 (0.03%) alleles from individuals of non-Finnish European background in the ExAC dataset (Lek et al., 2016). The V3174I variant is a conservative amino acid substitution, which is not likely to impact secondary protein structure as these residues share similar properties. This substitution occurs at a position that is not conserved. In silico analysis predicts this variant likely does not alter the protein structure/function. We interpret V3174I as a variant of uncertain significance.